The following is an entry in ClinVar:

NM_000051.4(ATM):c.4229A>G (p.Lys1410Arg)

Gene: ATM (ATM serine/threonine kinase; plus strand). Cytogenetic location: 11q22.3.
Variant type: single nucleotide variant.
Coding change: c.4229A>G on transcript NM_000051.4 (MANE Select); coding-DNA position 4229, A replaced by G.
Protein change: p.Lys1410Arg; replaces lysine 1410 with arginine.
Molecular consequence: missense variant.
Genome position (GRCh38, 1-based): chr11:108,289,096, A>G. VCF-style: chr11-108289096-A-G. GRCh37 (hg19) VCF-style: chr11-108159823-A-G.
Other names: c.4229A>G, p.Lys1410Arg (NM_001351834.2); short protein forms K1410R.
Identifiers: ClinVar variation 964877 (VCV000964877.19), dbSNP rs2082647905, ClinGen allele CA382530644.
Genomic context (GRCh38, chr11:108,289,096, plus strand): 5'-TTGCCTATATCAGCAATTGTCATAAAACCAAGTTAAAAAGCATTTTAGAAATTCTTTCCA[A>G]AAGCCCTGTAAGTATACATGATGAGTTTAATAATAGAACATTCCTTCTTTTTTAGCTAAA-3'
Protein context (NP_000042.3, residues 1400-1420): KLKSILEILS[Lys1410Arg]SPDSYQKILL

ClinVar aggregate classification (germline): Uncertain significance. Review status: criteria provided, multiple submitters, no conflicts (2 of 4 stars). 5 submissions from 5 submitters: Uncertain significance (4). 1 of the submissions does not count toward it. Last evaluated 2025-12-29.

Conditions:
Hereditary cancer-predisposing syndrome. Also called: Hereditary neoplastic syndrome; Hereditary Cancer Syndrome; Tumor predisposition; Neoplastic Syndromes, Hereditary. Identifiers: Orphanet 140162, MedGen C0027672, MeSH D009386, MONDO:0015356.
Ataxia-telangiectasia syndrome (AT). Also called: ATAXIA-TELANGIECTASIA, FRESNO VARIANT; Ataxia-telangiectasia, complementation group E; Ataxia telangiectasia (A-T); LOUIS-BAR SYNDROME; Ataxia-telangiectasia, complementation group D; AT, COMPLEMENTATION GROUP C. Identifiers: Orphanet 100, MedGen C0004135, MONDO:0008840, OMIM 208900.

Submissions (5):

Center for Genomic Medicine, Rigshospitalet, Copenhagen University Hospital
Classification: Uncertain significance. Last evaluated: 2025-12-29. Review status: criteria provided, single submitter. Criteria: ACMG Guidelines, 2015. Collection method: clinical testing. Allele origin: germline.

Labcorp Genetics (formerly Invitae), Labcorp
Classification: Uncertain significance for Ataxia-telangiectasia syndrome. Last evaluated: 2025-12-24. Review status: criteria provided, single submitter. Criteria: Invitae Variant Classification Sherloc (09022015). Collection method: clinical testing. Allele origin: germline.
Comment: This sequence change replaces lysine, which is basic and polar, with arginine, which is basic and polar, at codon 1410 of the ATM protein (p.Lys1410Arg). This variant is not present in population databases (gnomAD no frequency). This variant has not been reported in the literature in individuals affected with ATM-related conditions. ClinVar contains an entry for this variant (Variation ID: 964877). Invitae Evidence Modeling of protein sequence and biophysical properties (such as structural, functional, and spatial information, amino acid conservation, physicochemical variation, residue mobility, and thermodynamic stability) indicates that this missense variant is not expected to disrupt ATM protein function with a negative predictive value of 95%. In summary, the available evidence is currently insufficient to determine the role of this variant in disease. Therefore, it has been classified as a Variant of Uncertain Significance.

Ambry Genetics
Classification: Uncertain significance for Hereditary cancer-predisposing syndrome. Last evaluated: 2025-07-16. Review status: criteria provided, single submitter. Criteria: Ambry Variant Classification Scheme 2023. Collection method: clinical testing. Allele origin: germline.
Comment: The p.K1410R variant (also known as c.4229A>G), located in coding exon 27 of the ATM gene, results from an A to G substitution at nucleotide position 4229. The lysine at codon 1410 is replaced by arginine, an amino acid with highly similar properties. This amino acid position is highly conserved in available vertebrate species. In addition, this alteration is predicted to be tolerated by in silico analysis. Since supporting evidence is limited at this time, the clinical significance of this alteration remains unclear.

Color Diagnostics, LLC DBA Color Health
Classification: Uncertain significance for Hereditary cancer-predisposing syndrome. Last evaluated: 2024-03-06. Review status: criteria provided, single submitter. Criteria: ACMG Guidelines, 2015. Collection method: clinical testing. Allele origin: germline.
Comment: This missense variant replaces lysine with arginine at codon 1410 of the ATM protein. Computational prediction suggests that this variant may not impact protein structure and function (internally defined REVEL score threshold <= 0.5, PMID: 27666373). To our knowledge, functional studies have not been reported for this variant. This variant has not been reported in individuals affected with hereditary cancer in the literature. This variant has not been identified in the general population by the Genome Aggregation Database (gnomAD). The available evidence is insufficient to determine the role of this variant in disease conclusively. Therefore, this variant is classified as a Variant of Uncertain Significance.

Natera, Inc.
Classification: Uncertain significance for Ataxia-telangiectasia. Last evaluated: 2021-04-05. Review status: no assertion criteria provided. Collection method: clinical testing. Allele origin: germline. Not counted in ClinVar's aggregate classification.